The following is an entry in ClinVar:

ClinVar aggregate classification (germline): Uncertain significance. Review status: criteria provided, multiple submitters, no conflicts (2 of 4 stars). 2 submissions from 2 submitters: Uncertain significance (2). Last evaluated 2025-03-15.

Conditions:
Kabuki syndrome. Also called: Kabuki make-up syndrome; NIIKAWA-KUROKI SYNDROME. Identifiers: Orphanet 2322, MedGen C0796004, MONDO:0016512.

Allele frequency attached by ClinVar (database versions not stated): TOPMed 0.00001.

Submissions (2):

Labcorp Genetics (formerly Invitae), Labcorp
Classification: Uncertain significance for Kabuki syndrome. Last evaluated: 2025-03-15. Review status: criteria provided, single submitter. Criteria: Invitae Variant Classification Sherloc (09022015). Collection method: clinical testing. Allele origin: germline.
Comment: This sequence change replaces histidine, which is basic and polar, with leucine, which is neutral and non-polar, at codon 5382 of the KMT2D protein (p.His5382Leu). This variant is not present in population databases (gnomAD no frequency). This variant has not been reported in the literature in individuals affected with KMT2D-related conditions. This missense change has been observed in at least one individual who was not affected with KMT2D-related conditions (internal data). ClinVar contains an entry for this variant (Variation ID: 2884168). Invitae Evidence Modeling of protein sequence and biophysical properties (such as structural, functional, and spatial information, amino acid conservation, physicochemical variation, residue mobility, and thermodynamic stability) indicates that this missense variant is expected to disrupt KMT2D protein function with a positive predictive value of 95%. In summary, the available evidence is currently insufficient to determine the role of this variant in disease. Therefore, it has been classified as a Variant of Uncertain Significance.

Women's Health and Genetics/Laboratory Corporation of America, LabCorp
Classification: Uncertain significance. Last evaluated: 2024-08-05. Review status: criteria provided, single submitter. Criteria: LabCorp Variant Classification Summary - May 2015. Collection method: clinical testing. Allele origin: germline.
Comment: Variant summary: KMT2D c.16145A>T (p.His5382Leu) results in a non-conservative amino acid change located in the KMT2D, SET domain of the encoded protein sequence. Five of five in-silico tools predict a damaging effect of the variant on protein function. The variant was absent in 249228 control chromosomes. The available data on variant occurrences in the general population are insufficient to allow any conclusion about variant significance. To our knowledge, no occurrence of c.16145A>T in individuals affected with Kabuki Syndrome 1 and no experimental evidence demonstrating its impact on protein function have been reported. ClinVar contains an entry for this variant (Variation ID: 2884168). Based on the evidence outlined above, the variant was classified as uncertain significance.

NM_003482.4(KMT2D):c.16145A>T (p.His5382Leu)

Gene: KMT2D (lysine methyltransferase 2D; minus strand). Cytogenetic location: 12q13.12.
Variant type: single nucleotide variant.
Coding change: c.16145A>T on transcript NM_003482.4 (MANE Select); coding-DNA position 16145, A replaced by T.
Protein change: p.His5382Leu; replaces histidine 5382 with leucine.
Molecular consequence: missense variant.
Genome position (GRCh38, 1-based): chr12:49,022,783, T>A on the plus strand (A>T on the coding strand, the complement: KMT2D is on the minus strand). VCF-style: chr12-49022783-T-A. GRCh37 (hg19) VCF-style: chr12-49416566-T-A.
Other names: short protein forms H5382L.
Identifiers: ClinVar variation 2884168 (VCV002884168.4), dbSNP rs1942390513, ClinGen allele CA384678900.